The following is an entry in ClinVar:

NM_000138.5(FBN1):c.7496T>C (p.Leu2499Pro)

Gene: FBN1 (fibrillin 1; minus strand). Cytogenetic location: 15q21.1.
Variant type: single nucleotide variant.
Coding change: c.7496T>C on transcript NM_000138.5 (MANE Select); coding-DNA position 7496, T replaced by C.
Protein change: p.Leu2499Pro; replaces leucine 2499 with proline.
Molecular consequence: missense variant.
Genome position (GRCh38, 1-based): chr15:48,422,026, A>G on the plus strand (T>C on the coding strand, the complement: FBN1 is on the minus strand). VCF-style: chr15-48422026-A-G. GRCh37 (hg19) VCF-style: chr15-48714223-A-G.
Other names: c.7496T>C, p.Leu2499Pro (NM_001406716.1); short protein forms L2499P.
Identifiers: ClinVar variation 2501043 (VCV002501043.7), dbSNP rs2505399734, ClinGen allele CA392326038.

ClinVar aggregate classification (germline): Conflicting classifications of pathogenicity. Review status: criteria provided, conflicting classifications (1 of 4 stars). 4 submissions from 4 submitters: Likely pathogenic (1); Uncertain significance (3). Last evaluated 2026-04-06.

Conditions:
Marfan syndrome (MFS). Also called: MARFAN SYNDROME, TYPE I; FBN1-Related Marfan Syndrome; Marfan syndrome type 1; Marfan's syndrome; Marfan syndrome, classic. Identifiers: Orphanet 284963, Orphanet 558, MedGen C0024796, MONDO:0007947, OMIM 154700.
Familial thoracic aortic aneurysm and aortic dissection (TAAD). Also called: Thoracic aortic aneurysms and dissections. Identifiers: Orphanet 91387, MedGen C4707243, MONDO:0019625.

Submissions (4):

Women's Health and Genetics/Laboratory Corporation of America, LabCorp
Classification: Uncertain significance. Last evaluated: 2026-04-06. Review status: criteria provided, single submitter. Criteria: LabCorp Variant Classification Summary - May 2015. Collection method: clinical testing. Allele origin: germline.
Comment: Variant summary: FBN1 c.7496T>C (p.Leu2499Pro) results in a non-conservative amino acid change located in the EGF-like domain (IPR000742) of the encoded protein sequence. Algorithms developed to predict the effect of missense changes on protein structure and function all suggest that this variant is likely to be disruptive. The variant was absent in 251208 control chromosomes. The available data on variant occurrences in the general population are insufficient to allow any conclusion about variant significance. c.7496T>C has been observed in individual(s) affected with FBN1-related conditions (Internal data) or non-syndromic thoracic aortic aneurysm (e.g. Chen_2024). These data do not allow any conclusion about variant significance. To our knowledge, no experimental evidence demonstrating an impact on protein function has been reported. The following publication has been ascertained in the context of this evaluation (PMID: 38958128). ClinVar contains an entry for this variant (Variation ID: 2501043). Based on the evidence outlined above, the variant was classified as uncertain significance.

GeneDx
Classification: Uncertain significance. Last evaluated: 2024-01-10. Review status: criteria provided, single submitter. Criteria: GeneDx Variant Classification Process June 2021. Collection method: clinical testing. Allele origin: germline. Affected: yes.
Comment: Has not been previously published as pathogenic or benign to our knowledge; Not observed at significant frequency in large population cohorts (gnomAD); In silico analysis supports that this missense variant has a deleterious effect on protein structure/function; Although located in a calcium-binding EGF-like domain of the FBN1 gene, it does not affect a cysteine residue within this domain; cysteine substitutions in the calcium-binding EGF-like domains represent the majority of pathogenic missense changes associated with FBN1-related disorders (PMID: 12938084); This variant is associated with the following publications: (PMID: 12938084)

Labcorp Genetics (formerly Invitae), Labcorp
Classification: Likely pathogenic for Marfan syndrome; Familial thoracic aortic aneurysm and aortic dissection. Last evaluated: 2023-09-05. Review status: criteria provided, single submitter. Criteria: Invitae Variant Classification Sherloc (09022015). Collection method: clinical testing. Allele origin: germline.
Comment: This variant is not present in population databases (gnomAD no frequency). This sequence change replaces leucine, which is neutral and non-polar, with proline, which is neutral and non-polar, at codon 2499 of the FBN1 protein (p.Leu2499Pro). This missense change has been observed in individuals with FBN1-related conditions (Invitae; external communication). In summary, the currently available evidence indicates that the variant is pathogenic, but additional data are needed to prove that conclusively. Therefore, this variant has been classified as Likely Pathogenic. Advanced modeling of protein sequence and biophysical properties (such as structural, functional, and spatial information, amino acid conservation, physicochemical variation, residue mobility, and thermodynamic stability) performed at Invitae indicates that this missense variant is expected to disrupt FBN1 protein function. ClinVar contains an entry for this variant (Variation ID: 2501043).

All of Us Research Program, National Institutes of Health
Classification: Uncertain significance for Marfan syndrome. Last evaluated: 2023-05-04. Review status: criteria provided, single submitter. Criteria: ACMG Guidelines, 2015. Collection method: clinical testing. Allele origin: germline. Inheritance: Autosomal dominant inheritance. Observed: 1 variant allele, 1 heterozygote.
Comment: This missense variant replaces leucine with proline at codon 2499 of the FBN1 protein. Computational prediction suggests that this variant may have deleterious impact on protein structure and function (internally defined REVEL score threshold >= 0.7, PMID: 27666373). To our knowledge, functional studies have not been reported for this variant. This variant has not been reported in individuals affected with FBN1-related disorders in the literature. This variant has not been identified in the general population by the Genome Aggregation Database (gnomAD). The available evidence is insufficient to determine the role of this variant in disease conclusively. Therefore, this variant is classified as a Variant of Uncertain Significance.

This study involves interpretation of variants in research participants for the purpose of population health screening. Participant phenotype was not available at the time of variant classification. Additional details can be found in publication PMID: 35346344, PMCID: PMC8962531

Literature cited by the submitters: PubMed 38958128 (cited by Women's Health and Genetics/Laboratory Corporation of America, LabCorp).